The following is an entry in ClinVar:

NM_005751.5(AKAP9):c.6392C>A (p.Ser2131Tyr)

Gene: AKAP9 (A-kinase anchoring protein 9; plus strand). Cytogenetic location: 7q21.2.
Variant type: single nucleotide variant.
Coding change: c.6392C>A on transcript NM_005751.5 (MANE Select); coding-DNA position 6392, C replaced by A.
Protein change: p.Ser2131Tyr; replaces serine 2131 with tyrosine.
Molecular consequence: missense variant.
Genome position (GRCh38, 1-based): chr7:92,070,091, C>A. VCF-style: chr7-92070091-C-A. GRCh37 (hg19) VCF-style: chr7-91699405-C-A.
Other names: c.1037C>A, p.Ser346Tyr (NM_001379277.1); c.6392C>A, p.Ser2131Tyr (NM_147185.3); short protein forms S2131Y, S346Y.
Identifiers: ClinVar variation 3225081 (VCV003225081.1), dbSNP rs1180706651, ClinGen allele CA368134093.
Genomic context (GRCh38, chr7:92,070,091, plus strand): 5'-TTGAACAGTTAGCAAATCATCTGAAAGAAAAAACAGACAAATGCAGTGAGCTTTTGCTCT[C>A]TAAAGAGCAGCTTCAAAGGGATATACAAGAAAGGAATGAAGAAATAGAGAAACTGGAGTT-3'
Protein context (NP_005742.4, residues 2121-2141): KTDKCSELLL[Ser2131Tyr]KEQLQRDIQE

ClinVar aggregate classification (germline): Uncertain significance (1 of 4 stars; one submission).

Conditions:
Cardiovascular phenotype. Identifiers: MedGen CN230736.

Allele frequency attached by ClinVar (database versions not stated): TOPMed below 0.00001; gnomAD 0.00001.
gnomAD v4.1: 4 of 1,613,740 alleles (0.00025%); highest among the groups gnomAD compares: Non-Finnish European, 0.00034%; no homozygotes.

Submission:

Ambry Genetics
Classification: Uncertain significance for Cardiovascular phenotype. Last evaluated: 2024-03-14. Review status: criteria provided, single submitter. Criteria: Ambry Variant Classification Scheme 2023. Collection method: clinical testing. Allele origin: germline.
Comment: The p.S2131Y variant (also known as c.6392C>A), located in coding exon 27 of the AKAP9 gene, results from a C to A substitution at nucleotide position 6392. The serine at codon 2131 is replaced by tyrosine, an amino acid with dissimilar properties. This amino acid position is conserved. In addition, this alteration is predicted to be tolerated by in silico analysis. Based on the available evidence, the clinical significance of this alteration remains unclear.